The following is an entry in ClinVar:

NM_001457.4(FLNB):c.3550A>T (p.Asn1184Tyr)

Gene: FLNB (filamin B; plus strand). Cytogenetic location: 3p14.3.
Variant type: single nucleotide variant.
Coding change: c.3550A>T on transcript NM_001457.4 (MANE Select); coding-DNA position 3550, A replaced by T.
Protein change: p.Asn1184Tyr; replaces asparagine 1184 with tyrosine.
Molecular consequence: missense variant.
Genome position (GRCh38, 1-based): chr3:58,123,516, A>T. VCF-style: chr3-58123516-A-T. GRCh37 (hg19) VCF-style: chr3-58109243-A-T.
Other names: c.3550A>T, p.Asn1184Tyr (NM_001164317.2, NM_001164318.2, NM_001164319.2); short protein forms N1184Y.
Identifiers: ClinVar variation 1806820 (VCV001806820.1), dbSNP rs1024274524, ClinGen allele CA75447553.

ClinVar aggregate classification (germline): Uncertain significance (1 of 4 stars; one submission).

Submission:

GeneDx
Classification: Uncertain significance. Last evaluated: 2022-06-20. Review status: criteria provided, single submitter. Criteria: GeneDx Variant Classification Process June 2021. Collection method: clinical testing. Allele origin: germline. Affected: yes.
Comment: Not observed at significant frequency in large population cohorts (gnomAD); In silico analysis supports that this missense variant has a deleterious effect on protein structure/function; Has not been previously published as pathogenic or benign to our knowledge